The following is an entry in ClinVar:

ClinVar aggregate classification (germline): Likely benign. Review status: criteria provided, multiple submitters, no conflicts (2 of 4 stars). 4 submissions from 4 submitters: Likely benign (3). 1 of the submissions does not count toward it. Last evaluated 2023-09-29.

Conditions:
Epilepsy, familial focal, with variable foci 3 (FFEVF3). Identifiers: MedGen C4310708, MONDO:0014925, OMIM 617118.
NPRL3-related disorder. Also called: NPRL3-related condition.

Allele frequency attached by ClinVar (database versions not stated): ExAC 0.00002; gnomAD 0.00002 and 0.00004; gnomAD exomes 0.00004 and 0.00013; TOPMed 0.00006; ESP Exome Variant Server 0.00008.
gnomAD v4.1: 192 of 1,611,648 alleles (0.012%); highest among the groups gnomAD compares: Non-Finnish European, 0.015%; no homozygotes.

Submissions (4):

Blueprint Genetics
Classification: Likely benign. Last evaluated: 2023-09-29. Review status: criteria provided, single submitter. Criteria: ACMG Guidelines, 2015. Collection method: clinical testing. Allele origin: germline.

Labcorp Genetics (formerly Invitae), Labcorp
Classification: Likely benign for Epilepsy, familial focal, with variable foci 3. Last evaluated: 2023-08-17. Review status: criteria provided, single submitter. Criteria: Invitae Variant Classification Sherloc (09022015). Collection method: clinical testing. Allele origin: germline.

GeneDx
Classification: Likely benign. Last evaluated: 2019-01-14. Review status: criteria provided, single submitter. Criteria: GeneDx Variant Classification Process June 2021. Collection method: clinical testing. Allele origin: germline. Affected: yes.

PreventionGenetics, part of Exact Sciences
Classification: Likely benign for NPRL3-related condition. Last evaluated: 2019-10-28. Review status: no assertion criteria provided. Collection method: clinical testing. Allele origin: germline. Not counted in ClinVar's aggregate classification.
Comment: This variant is classified as likely benign based on ACMG/AMP sequence variant interpretation guidelines (Richards et al. 2015 PMID: 25741868, with internal and published modifications).

NM_001077350.3(NPRL3):c.432C>T (p.Asn144=)

Genes: HBA-LCR (alpha-globin locus control region; plus strand), NPRL3 (NPR3 like, GATOR1 complex subunit; minus strand). Cytogenetic location: 16p13.3.
Variant type: single nucleotide variant.
Coding change: c.432C>T on transcript NM_001077350.3 (MANE Select); coding-DNA position 432, C replaced by T.
Protein change: p.Asn144=; no amino-acid change (asparagine 144 retained).
Molecular consequence: synonymous variant. On other transcripts: 5 prime UTR variant (1).
Genome position (GRCh38, 1-based): chr16:112,737, G>A on the plus strand (C>T on the coding strand, the complement: NPRL3 is on the minus strand). VCF-style: chr16-112737-G-A. GRCh37 (hg19) VCF-style: chr16-162736-G-A.
Other names: c.-106C>T (NM_001039476.3); c.198C>T, p.Asn66= (NM_001243247.2); c.357C>T, p.Asn119= (NM_001243248.2, NM_001243249.2).
Identifiers: ClinVar variation 1109834 (VCV001109834.15), dbSNP rs371406653, ClinGen allele CA7769663.